The following is an entry in ClinVar:

ClinVar aggregate classification (germline): Likely benign (1 of 4 stars; one submission).

Submission:

CeGaT Center for Human Genetics Tuebingen
Classification: Likely benign. Last evaluated: 2022-11-01. Review status: criteria provided, single submitter. Criteria: CeGaT Center For Human Genetics Tuebingen Variant Classification Criteria Version 2. Collection method: clinical testing. Allele origin: germline. Affected: yes. Observed: 1 variant allele.
Comment: RP4-565E6.1: BS2

Single allele

Variant type: single nucleotide variant.
Identifiers: ClinVar variation 2639116 (VCV002639116.18), dbSNP rs782798529, ClinGen allele CA1060708.